The following is an entry in ClinVar:

NM_000478.6(ALPL):c.157A>C (p.Asn53His)

Gene: ALPL (alkaline phosphatase, biomineralization associated; plus strand). Cytogenetic location: 1p36.12.
Variant type: single nucleotide variant.
Coding change: c.157A>C on transcript NM_000478.6 (MANE Select); coding-DNA position 157, A replaced by C.
Protein change: p.Asn53His; replaces asparagine 53 with histidine.
Molecular consequence: missense variant. On other transcripts: 5 prime UTR variant (1).
Genome position (GRCh38, 1-based): chr1:21,560,721, A>C. VCF-style: chr1-21560721-A-C. GRCh37 (hg19) VCF-style: chr1-21887214-A-C.
Other names: c.-9A>C (NM_001127501.4); c.42A>C, p.Arg14Ser (NM_001177520.3); c.157A>C, p.Asn53His (NM_001369803.2, NM_001369804.2, NM_001369805.2); short protein forms N53H, R14S.
Identifiers: ClinVar variation 4811362 (VCV004811362.1).
Genomic context (GRCh38, chr1:21,560,721, plus strand): 5'-GCGCAAGAGACACTGAAATATGCCCTGGAGCTTCAGAAGCTCAACACCAACGTGGCTAAG[A>C]ATGTCATCATGTTCCTGGGAGATGGTGAGGCCCAGGGGCCTGTGGGAGGGGTGGAACAGG-3'
Protein context (NP_000469.3, residues 43-63): LQKLNTNVAK[Asn53His]VIMFLGDGMG

ClinVar aggregate classification (germline): Uncertain significance (1 of 4 stars; one submission).

Submission:

Labcorp Genetics (formerly Invitae), Labcorp
Classification: Uncertain significance. Last evaluated: 2025-09-14. Review status: criteria provided, single submitter. Criteria: Invitae Variant Classification Sherloc (09022015). Collection method: clinical testing. Allele origin: germline.
Comment: This sequence change replaces asparagine, which is neutral and polar, with histidine, which is basic and polar, at codon 53 of the ALPL protein (p.Asn53His). This variant is not present in population databases (gnomAD no frequency). This variant has not been reported in the literature in individuals affected with ALPL-related conditions. Invitae Evidence Modeling of protein sequence and biophysical properties (such as structural, functional, and spatial information, amino acid conservation, physicochemical variation, residue mobility, and thermodynamic stability) indicates that this missense variant is expected to disrupt ALPL protein function with a positive predictive value of 95%. In summary, the available evidence is currently insufficient to determine the role of this variant in disease. Therefore, it has been classified as a Variant of Uncertain Significance.